The following is an entry in ClinVar:

ClinVar aggregate classification (germline): Uncertain significance. Review status: criteria provided, multiple submitters, no conflicts (2 of 4 stars). 2 submissions from 2 submitters: Uncertain significance (2). Last evaluated 2025-09-16.

Conditions:
Inborn genetic diseases. Identifiers: MedGen C0950123, MeSH D030342.
Spastic paraplegia. Identifiers: MedGen C0037772, HP:0001258.
Hereditary spastic paraplegia 46. Also called: Spastic paraplegia 46, autosomal recessive. Identifiers: Orphanet 320391, MedGen C2828721, MONDO:0013737, OMIM 614409.

Allele frequency attached by ClinVar (database versions not stated): gnomAD 0.00001; gnomAD exomes 0.00001 and 0.00005; TOPMed 0.00001; ExAC 0.00004.
gnomAD v4.1: 13 of 1,612,536 alleles (0.00081%); highest among the groups gnomAD compares: East Asian, 0.029%; no homozygotes.

Submissions (2):

Ambry Genetics
Classification: Uncertain significance for Inborn genetic diseases. Last evaluated: 2025-09-16. Review status: criteria provided, single submitter. Criteria: Ambry Variant Classification Scheme 2023. Collection method: clinical testing. Allele origin: germline.

Labcorp Genetics (formerly Invitae), Labcorp
Classification: Uncertain significance for Spastic paraplegia. Last evaluated: 2022-03-11. Review status: criteria provided, single submitter. Criteria: Invitae Variant Classification Sherloc (09022015). Collection method: clinical testing. Allele origin: germline.
Comment: This sequence change replaces alanine, which is neutral and non-polar, with proline, which is neutral and non-polar, at codon 344 of the GBA2 protein (p.Ala344Pro). This variant is present in population databases (rs750984776, gnomAD 0.08%). This variant has not been reported in the literature in individuals affected with GBA2-related conditions. ClinVar contains an entry for this variant (Variation ID: 440972). Algorithms developed to predict the effect of missense changes on protein structure and function (SIFT, PolyPhen-2, Align-GVGD) all suggest that this variant is likely to be tolerated. Algorithms developed to predict the effect of sequence changes on RNA splicing suggest that this variant may disrupt the consensus splice site. In summary, the available evidence is currently insufficient to determine the role of this variant in disease. Therefore, it has been classified as a Variant of Uncertain Significance.

NM_020944.3(GBA2):c.1030G>C (p.Ala344Pro)

Gene: GBA2 (glucosylceramidase beta 2; minus strand). Cytogenetic location: 9p13.3.
Variant type: single nucleotide variant.
Coding change: c.1030G>C on transcript NM_020944.3 (MANE Select); coding-DNA position 1030, G replaced by C.
Protein change: p.Ala344Pro; replaces alanine 344 with proline.
Molecular consequence: missense variant.
Genome position (GRCh38, 1-based): chr9:35,740,625, C>G on the plus strand (G>C on the coding strand, the complement: GBA2 is on the minus strand). VCF-style: chr9-35740625-C-G. GRCh37 (hg19) VCF-style: chr9-35740622-C-G.
Other names: c.1030G>C, p.Ala344Pro (NM_001330660.2); short protein forms A344P.
Identifiers: ClinVar variation 440972 (VCV000440972.7), dbSNP rs750984776, ClinGen allele CA5050536.
Genomic context (GRCh38, chr9:35,740,625, plus strand): 5'-GCCACACCTGCTGCCCCGTGCTGTCAGGGTCAAAGGCTGTGATGTGGGTTACCGTGGTAG[C>G]TGCCTGTGAAGGGGTCAGGGACTGTGAGGGCAGGCTCCACGAGTACACTGGGTCCCGGCT-3'
Protein context (NP_065995.1, residues 334-354): TMAVAARVTA[Ala344Pro]TTVTHITAFD